The following is an entry in ClinVar:

ClinVar aggregate classification (germline): Conflicting classifications of pathogenicity. Review status: criteria provided, conflicting classifications (1 of 4 stars). 4 submissions from 4 submitters: Uncertain significance (1); Benign (1); Likely benign (1). 1 of the submissions does not count toward it. Last evaluated 2025-06-09.

Conditions:
BRIP1-related disorder. Also called: BRIP1-related condition; BRIP1-related disorders. Identifiers: MedGen CN239206.
Hereditary cancer-predisposing syndrome. Also called: Tumor predisposition; Hereditary neoplastic syndrome; Neoplastic Syndromes, Hereditary; Hereditary Cancer Syndrome. Identifiers: Orphanet 140162, MedGen C0027672, MeSH D009386, MONDO:0015356.

Allele frequency attached by ClinVar (database versions not stated): gnomAD exomes below 0.00001 and 0.00002; ExAC 0.00002; TOPMed 0.00003; gnomAD 0.00004.
gnomAD v4.1: 9 of 1,597,980 alleles (0.00056%); highest among the groups gnomAD compares: African/African-American, 0.0094%; no homozygotes.

Submissions (4):

Ambry Genetics
Classification: Uncertain significance for Hereditary cancer-predisposing syndrome. Last evaluated: 2025-06-09. Review status: criteria provided, single submitter. Criteria: Ambry Variant Classification Scheme 2023. Collection method: clinical testing. Allele origin: germline.
Comment: The c.-5G>A variant is located in the 5' untranslated region (5&rsquo; UTR) of the BRIP1 gene. This variant results from a G to A substitution 5 bases upstream from the first translated codon. This nucleotide position is not well conserved in available vertebrate species. Based on the available evidence, the clinical significance of this variant remains unclear.

Color Diagnostics, LLC DBA Color Health
Classification: Likely benign for Hereditary cancer-predisposing syndrome. Last evaluated: 2016-01-22. Review status: criteria provided, single submitter. Criteria: ACMG Guidelines, 2015. Collection method: clinical testing. Allele origin: germline.

GeneDx
Classification: Benign. Last evaluated: 2015-09-21. Review status: criteria provided, single submitter. Criteria: GeneDx Variant Classification (06012015). Collection method: clinical testing. Allele origin: germline. Affected: yes.
Comment: This variant is considered likely benign or benign based on one or more of the following criteria: it is a conservative change, it occurs at a poorly conserved position in the protein, it is predicted to be benign by multiple in silico algorithms, and/or has population frequency not consistent with disease.

PreventionGenetics, part of Exact Sciences
Classification: Likely benign for BRIP1-related condition. Last evaluated: 2020-03-27. Review status: no assertion criteria provided. Collection method: clinical testing. Allele origin: germline. Not counted in ClinVar's aggregate classification.
Comment: This variant is classified as likely benign based on ACMG/AMP sequence variant interpretation guidelines (Richards et al. 2015 PMID: 25741868, with internal and published modifications).

NM_032043.3(BRIP1):c.-5G>A

Gene: BRIP1 (BRCA1 interacting DNA helicase 1; minus strand). Cytogenetic location: 17q23.2.
Variant type: single nucleotide variant.
Coding change: c.-5G>A on transcript NM_032043.3 (MANE Select); 5 bases upstream of the start codon, G replaced by A.
Molecular consequence: 5 prime UTR variant.
Genome position (GRCh38, 1-based): chr17:61,861,544, C>T on the plus strand (G>A on the coding strand, the complement: BRIP1 is on the minus strand). VCF-style: chr17-61861544-C-T. GRCh37 (hg19) VCF-style: chr17-59938905-C-T.
Identifiers: ClinVar variation 380323 (VCV000380323.12), dbSNP rs754270436, ClinGen allele CA8691020.